The following is an entry in ClinVar:

ClinVar aggregate classification (germline): Conflicting classifications of pathogenicity. Review status: criteria provided, conflicting classifications (1 of 4 stars). 6 submissions from 6 submitters: Likely pathogenic (2); Uncertain significance (4). Last evaluated 2025-07-07.

Conditions:
Malignant hyperthermia, susceptibility to, 1 (MHS1). Also called: RYR1-Related Malignant Hyperthermia Susceptibility; Malignant hyperthermia suceptibility 1; Anesthesia related hyperthermia; Malignant hyperpyrexia; Fulminating hyperpyrexia; Pharmacogenic myopathy. Identifiers: Orphanet 423, MedGen C2930980, MONDO:0007783, OMIM 145600.
King Denborough syndrome (KDS). Identifiers: MedGen C1840365, MONDO:0020485, OMIM 619542.
Central core myopathy (CMYO1A). Also called: CONGENITAL MYOPATHY 1A, AUTOSOMAL DOMINANT, WITH SUSCEPTIBILITY TO MALIGNANT HYPERTHERMIA; Central core disease; Myopathy, central fibrillar. Identifiers: Orphanet 597, MedGen C5830701, MONDO:0007294, OMIM 117000.
Congenital multicore myopathy with external ophthalmoplegia (CMYO1B). Also called: MULTIMINICORE DISEASE WITH EXTERNAL OPHTHALMOPLEGIA; MULTICORE MYOPATHY; Congenital myopathy 1B, autosomal recessive; Minicore myopathy; Minicore myopathy with external ophthalmoplegia. Identifiers: Orphanet 598, Orphanet 98905, MedGen C1850674, MONDO:0009712, OMIM 255320, HP:0003789.
RYR1-related disorder. Also called: RYR1-related disorders; RYR1-related condition. Identifiers: MedGen CN239331.

Allele frequency attached by ClinVar (database versions not stated): TOPMed 0.00001.
gnomAD v4.1: 8 of 1,613,844 alleles (0.0005%); highest among the groups gnomAD compares: East Asian, 0.016%; no homozygotes.

Submissions (6):

Color Diagnostics, LLC DBA Color Health
Classification: Uncertain significance for Malignant hyperthermia, susceptibility to, 1. Last evaluated: 2025-07-07. Review status: criteria provided, single submitter. Criteria: ACMG Guidelines, 2015. Collection method: clinical testing. Allele origin: germline.
Comment: This missense variant replaces glycine with tryptophan at codon 248 of the RYR1 protein. Computational prediction suggests that this variant may have deleterious impact on protein structure and function. This variant occurs in a region of RYR1 considered to be a hotspot for pathogenic variants that contribute to malignant hyperthermia susceptibility (PMID: 21118704). This variant has not been reported in individuals affected with RYR1-related disorders in the literature. This variant has been identified in 3/282572 chromosomes in the general population by the Genome Aggregation Database (gnomAD). Different variants affecting the same codon, c.742G>C (p.Gly248Arg) and c.742G>A (p.Gly248Arg), are considered to be pathogenic (ClinVar variation ID: 133203, 12965), suggesting that Gly at this position is important for RYR1 protein function. The available evidence is insufficient to determine the role of this variant in disease conclusively. Therefore, this variant is classified as a Variant of Uncertain Significance.

Labcorp Genetics (formerly Invitae), Labcorp
Classification: Likely pathogenic for RYR1-related disorder. Last evaluated: 2024-06-17. Review status: criteria provided, single submitter. Criteria: Invitae Variant Classification Sherloc (09022015). Collection method: clinical testing. Allele origin: germline.
Comment: This sequence change replaces glycine, which is neutral and non-polar, with tryptophan, which is neutral and slightly polar, at codon 248 of the RYR1 protein (p.Gly248Trp). This variant is present in population databases (rs1801086, gnomAD 0.01%). This variant has not been reported in the literature in individuals affected with RYR1-related conditions. ClinVar contains an entry for this variant (Variation ID: 1476084). Advanced modeling of protein sequence and biophysical properties (such as structural, functional, and spatial information, amino acid conservation, physicochemical variation, residue mobility, and thermodynamic stability) has been performed at Invitae for this missense variant, however the output from this modeling did not meet the statistical confidence thresholds required to predict the impact of this variant on RYR1 protein function. This variant disrupts the p.Gly248 amino acid residue in RYR1. Other variant(s) that disrupt this residue have been determined to be pathogenic (PMID: 15448513, 18564801). This suggests that this residue is clinically significant, and that variants that disrupt this residue are likely to be disease-causing. In summary, the currently available evidence indicates that the variant is pathogenic, but additional data are needed to prove that conclusively. Therefore, this variant has been classified as Likely Pathogenic.

Fulgent Genetics
Classification: Likely pathogenic for Central core myopathy; Malignant hyperthermia, susceptibility to, 1; Congenital multicore myopathy with external ophthalmoplegia; King Denborough syndrome. Last evaluated: 2024-06-07. Review status: criteria provided, single submitter. Criteria: ACMG Guidelines, 2015. Collection method: clinical testing. Allele origin: germline.

Women's Health and Genetics/Laboratory Corporation of America, LabCorp
Classification: Uncertain significance. Last evaluated: 2024-06-06. Review status: criteria provided, single submitter. Criteria: LabCorp Variant Classification Summary - May 2015. Collection method: clinical testing. Allele origin: germline.
Comment: Variant summary: RYR1 c.742G>T (p.Gly248Trp) results in a non-conservative amino acid change located in the MIR motif domain (IPR016093) of the encoded protein sequence. Five of five in-silico tools predict a damaging effect of the variant on protein function. The variant allele was found at a frequency of 8e-06 in 251188 control chromosomes. The available data on variant occurrences in the general population are insufficient to allow any conclusion about variant significance. c.742G>T has been reported in the literature in a setting of whole genome sequencing in at least one individual affected with malignant hypothermia (e.g. Foo_2022). This report does not provide sufficient evidence to allow unequivocal conclusions about association of the variant with Malignant hypothermia. To our knowledge, no experimental evidence demonstrating an impact on protein function has been reported. However, different variants located at the same codon (c.742G>C or c.742G>A resulting in p.Gly248Arg) have been classified as pathogenic in ClinVar, supporting a critical relevance of this residue to RYR1 protein function. The following publication has been ascertained in the context of this evaluation (PMID: 35361824). ClinVar contains an entry for this variant (Variation ID: 1476084). Based on the evidence outlined above, the variant was classified as VUS-possibly pathogenic.

All of Us Research Program, National Institutes of Health
Classification: Uncertain significance for Malignant hyperthermia, susceptibility to, 1. Last evaluated: 2023-04-03. Review status: criteria provided, single submitter. Criteria: ACMG Guidelines, 2015. Collection method: clinical testing. Allele origin: germline. Inheritance: Autosomal dominant inheritance. Observed: 1 variant allele, 1 heterozygote.
Comment: This missense variant replaces glycine with tryptophan at codon 248 of the RYR1 protein. Computational prediction suggests that this variant may have deleterious impact on protein structure and function (internally defined REVEL score threshold >= 0.7, PMID: 27666373). Although functional studies have not been reported for this variant, it occurs in a region of RYR1 considered to be a hotspot for pathogenic variants that contribute to malignant hyperthermia susceptibility (PMID: 21118704). This variant has not been reported in individuals affected with RYR1-related disorders in the literature. This variant has been identified in 3/282572 chromosomes in the general population by the Genome Aggregation Database (gnomAD). Different variants affecting the same codon, c.742G>C (p.Gly248Arg) and c.742G>A (p.Gly248Arg), are considered to be pathogenic (ClinVar variation ID: 133203, 12965), suggesting that Gly at this position is important for RYR1 protein function. The available evidence is insufficient to determine the role of this variant in disease conclusively. Therefore, this variant is classified as a Variant of Uncertain Significance.

This study involves interpretation of variants in research participants for the purpose of population health screening. Participant phenotype was not available at the time of variant classification. Additional details can be found in publication PMID: 35346344, PMCID: PMC8962531

Juno Genomics, Hangzhou Juno Genomics, Inc
Classification: Uncertain significance for Central core myopathy; Congenital multicore myopathy with external ophthalmoplegia; Malignant hyperthermia, susceptibility to, 1; King Denborough syndrome. Review status: criteria provided, single submitter. Criteria: ACMG Guidelines, 2015. Collection method: clinical testing. Allele origin: germline.
Comment: Absent from controls (or at extremely low frequency if recessive) in Genome Aggregation Database.;Multiple lines of computational evidence support a deleterious effect on the gene or gene product.

Literature cited by the submitters: PubMed 21118704 (cited by Color Diagnostics, LLC DBA Color Health and All of Us Research Program, National Institutes of Health); PubMed 15448513 (cited by Labcorp Genetics (formerly Invitae), Labcorp); PubMed 18564801 (cited by Labcorp Genetics (formerly Invitae), Labcorp); PubMed 35361824 (cited by Women's Health and Genetics/Laboratory Corporation of America, LabCorp).

NM_000540.3(RYR1):c.742G>T (p.Gly248Trp)

Gene: RYR1 (ryanodine receptor 1; plus strand). Cytogenetic location: 19q13.2.
Variant type: single nucleotide variant.
Coding change: c.742G>T on transcript NM_000540.3 (MANE Select); coding-DNA position 742, G replaced by T.
Protein change: p.Gly248Trp; replaces glycine 248 with tryptophan.
Molecular consequence: missense variant.
Genome position (GRCh38, 1-based): chr19:38,446,710, G>T. VCF-style: chr19-38446710-G-T. GRCh37 (hg19) VCF-style: chr19-38937350-G-T.
Other names: c.742G>T, p.Gly248Trp (NM_001042723.2); short protein forms G248W.
Identifiers: ClinVar variation 1476084 (VCV001476084.13), dbSNP rs1801086, ClinGen allele CA069619.